The following is an entry in ClinVar:

ClinVar aggregate classification (germline): Uncertain significance (1 of 4 stars; one submission).

Allele frequency attached by ClinVar (database versions not stated): TOPMed 0.00001; gnomAD 0.00001.

Submission:

Labcorp Genetics (formerly Invitae), Labcorp
Classification: Uncertain significance. Last evaluated: 2024-01-02. Review status: criteria provided, single submitter. Criteria: Invitae Variant Classification Sherloc (09022015). Collection method: clinical testing. Allele origin: germline.
Comment: This sequence change replaces alanine, which is neutral and non-polar, with glutamic acid, which is acidic and polar, at codon 269 of the SLC39A5 protein (p.Ala269Glu). This variant is not present in population databases (gnomAD no frequency). This variant has not been reported in the literature in individuals affected with SLC39A5-related conditions. ClinVar contains an entry for this variant (Variation ID: 1388039). An algorithm developed to predict the effect of missense changes on protein structure and function (PolyPhen-2) suggests that this variant is likely to be disruptive. In summary, the available evidence is currently insufficient to determine the role of this variant in disease. Therefore, it has been classified as a Variant of Uncertain Significance.

NM_173596.3(SLC39A5):c.806C>A (p.Ala269Glu)

Gene: SLC39A5 (solute carrier family 39 member 5; plus strand). Cytogenetic location: 12q13.3.
Variant type: single nucleotide variant.
Coding change: c.806C>A on transcript NM_173596.3 (MANE Select); coding-DNA position 806, C replaced by A.
Protein change: p.Ala269Glu; replaces alanine 269 with glutamic acid.
Molecular consequence: missense variant.
Genome position (GRCh38, 1-based): chr12:56,235,561, C>A. VCF-style: chr12-56235561-C-A. GRCh37 (hg19) VCF-style: chr12-56629345-C-A.
Other names: c.806C>A, p.Ala269Glu (NM_001135195.2); short protein forms A269E.
Identifiers: ClinVar variation 1388039 (VCV001388039.8), dbSNP rs1408425630, ClinGen allele CA385301349.
Genomic context (GRCh38, chr12:56,235,561, plus strand): 5'-AAGGGGATGTTGTTGGGTATAGGGGCTTCCAGAGTCTGCCCTGACCTTCTCTCTGTCAGG[C>A]ACAAGAAGGGCGGCACGCAGGACCTGGCGGACTACCAGAGAAGGACCTGGGCCCGGGGCT-3'
Protein context (NP_775867.2, residues 259-279): GDALLHLLPH[Ala269Glu]QEGRHAGPGG